The following is an entry in ClinVar:

ClinVar aggregate classification (germline): Benign. Review status: criteria provided, multiple submitters, no conflicts (2 of 4 stars). 9 submissions from 9 submitters: Benign (9). Last evaluated 2026-02-01.

Conditions:
Primary ciliary dyskinesia 13. Also called: CILIARY DYSKINESIA, PRIMARY, 13, WITH OR WITHOUT SITUS INVERSUS. Identifiers: Orphanet 244, MedGen C2750790, MONDO:0013174, OMIM 613193.
Primary ciliary dyskinesia. Also called: Ciliary dyskinesia. Identifiers: Orphanet 244, MedGen C0008780, MONDO:0016575, HP:0012265.

Allele frequency attached by ClinVar (database versions not stated): gnomAD exomes 0.00474 and 0.01285; ExAC 0.01590; 1000 Genomes Project 0.04912; gnomAD 0.04969 and 0.05370; 1000 Genomes Project 30x 0.05200; TOPMed 0.05575; ESP Exome Variant Server 0.05769.
gnomAD v4.1: 14,822 of 1,613,946 alleles (0.92%); highest among the groups gnomAD compares: African/African-American, 17%; 1,177 homozygotes.

Submissions (9):

Labcorp Genetics (formerly Invitae), Labcorp
Classification: Benign for Primary ciliary dyskinesia. Last evaluated: 2026-02-01. Review status: criteria provided, single submitter. Criteria: Invitae Variant Classification Sherloc (09022015). Collection method: clinical testing. Allele origin: germline.

Blueprint Genetics
Classification: Benign. Last evaluated: 2024-11-27. Review status: criteria provided, single submitter. Criteria: ACMG Guidelines, 2015. Collection method: clinical testing. Allele origin: germline.

Mayo Clinic Laboratories, Mayo Clinic
Classification: Benign. Last evaluated: 2022-04-26. Review status: criteria provided, single submitter. Criteria: ACMG Guidelines, 2015. Collection method: clinical testing. Allele origin: germline. Observed: 4 variant alleles.

GeneDx
Classification: Benign. Last evaluated: 2020-01-11. Review status: criteria provided, single submitter. Criteria: GeneDx Variant Classification Process June 2021. Collection method: clinical testing. Allele origin: germline. Affected: yes.

Illumina Laboratory Services, Illumina
Classification: Benign for Primary ciliary dyskinesia 13. Last evaluated: 2018-01-12. Review status: criteria provided, single submitter. Criteria: ICSL Variant Classification Criteria 13 December 2019. Collection method: clinical testing. Allele origin: germline.
Comment: This variant was observed in the ICSL laboratory as part of a predisposition screen in an ostensibly healthy population. It had not been previously curated by ICSL or reported in the Human Gene Mutation Database (HGMD: prior to June 1st, 2018), and was therefore a candidate for classification through an automated scoring system. Utilizing variant allele frequency, disease prevalence and penetrance estimates, and inheritance mode, an automated score was calculated to assess if this variant is too frequent to cause the disease. Based on the score and internal cut-off values, a variant classified as benign is not then subjected to further curation. The score for this variant resulted in a classification of benign for this disease.

Ambry Genetics
Classification: Benign for Primary ciliary dyskinesia. Last evaluated: 2015-01-16. Review status: criteria provided, single submitter. Criteria: Ambry Variant Classification Scheme 2023. Collection method: clinical testing. Allele origin: germline.

Laboratory for Molecular Medicine, Mass General Brigham Personalized Medicine
Classification: Benign. Last evaluated: 2013-02-21. Review status: criteria provided, single submitter. Criteria: LMM Criteria. Collection method: clinical testing. Allele origin: germline. Observed: 2 variant alleles.
Comment: Ala616Ala in exon 11 of DNAAF1: This variant is not expected to have clinical si gnificance because it does not alter an amino acid residue and is not located wi thin the splice consensus sequence. It has been identified in 16.9% (745/4400) o f African American chromosomes from a broad population by the NHLBI Exome Sequen cing Project (dbSNP rs76108116).

Breakthrough Genomics
Classification: Benign. Review status: criteria provided, single submitter. Criteria: ACMG Guidelines, 2015. Collection method: not provided. Allele origin: germline. Inheritance: Autosomal recessive inheritance. Affected: yes.

PreventionGenetics, part of Exact Sciences
Classification: Benign. Review status: criteria provided, single submitter. Criteria: ACMG Guidelines, 2015. Collection method: clinical testing. Allele origin: germline.

NM_178452.6(DNAAF1):c.1848G>A (p.Ala616=)

Gene: DNAAF1 (dynein axonemal assembly factor 1; plus strand). Cytogenetic location: 16q24.1.
Variant type: single nucleotide variant.
Coding change: c.1848G>A on transcript NM_178452.6 (MANE Select); coding-DNA position 1848, G replaced by A.
Protein change: p.Ala616=; no amino-acid change (alanine 616 retained).
Molecular consequence: synonymous variant.
Genome position (GRCh38, 1-based): chr16:84,176,082, G>A. VCF-style: chr16-84176082-G-A. GRCh37 (hg19) VCF-style: chr16-84209688-G-A.
Other names: p.Ala616=; c.1140G>A, p.Ala380= (NM_001318756.1).
Identifiers: ClinVar variation 226576 (VCV000226576.27), dbSNP rs76108116, ClinGen allele CA8203047.